The following is an entry in ClinVar:

ClinVar aggregate classification (germline): Uncertain significance. Review status: criteria provided, multiple submitters, no conflicts (2 of 4 stars). 3 submissions from 3 submitters: Uncertain significance (3). Last evaluated 2024-12-09.

Conditions:
Wilms tumor 1 (WT1). Also called: Wilms tumor, somatic. Identifiers: Orphanet 654, MedGen CN033288, MONDO:0008679, OMIM 194070.
11p partial monosomy syndrome (WAGR). Also called: WAGR syndrome; WAGR Complex; WAGR Spectrum Disorder; CHROMOSOME 11p13 DELETION SYNDROME. Identifiers: Orphanet 893, MedGen C0206115, MONDO:0008681, OMIM 194072.
Frasier syndrome. Identifiers: Orphanet 347, MedGen C0950122, MeSH D052159, MONDO:0007635, OMIM 136680.
Drash syndrome (DDS). Also called: WILMS TUMOR AND PSEUDO- OR TRUE HERMAPHRODITISM; NEPHROPATHY, WILMS TUMOR, AND GENITAL ANOMALIES. Identifiers: Orphanet 220, MedGen C0950121, MONDO:0008682, OMIM 194080.
Inborn genetic diseases. Identifiers: MedGen C0950123, MeSH D030342.

Submissions (3):

Ambry Genetics
Classification: Uncertain significance for Inborn genetic diseases. Last evaluated: 2024-12-09. Review status: criteria provided, single submitter. Criteria: Ambry Variant Classification Scheme 2023. Collection method: clinical testing. Allele origin: germline.
Comment: The c.271_273delGGC variant (also known as p.G91del) is located in coding exon 1 of the WT1 gene. This variant results from an in-frame GGC deletion at nucleotide positions 271 to 273. This results in the in-frame deletion of a glycine at codon 91. This amino acid position is well conserved in available vertebrate species. In addition, this alteration is predicted to be neutral by in silico analysis (Choi Y et al. PLoS ONE. 2012; 7(10):e46688). Since supporting evidence is limited at this time, the clinical significance of this alteration remains unclear.

Labcorp Genetics (formerly Invitae), Labcorp
Classification: Uncertain significance for Wilms tumor 1; Drash syndrome; 11p partial monosomy syndrome; Frasier syndrome. Last evaluated: 2023-06-02. Review status: criteria provided, single submitter. Criteria: Invitae Variant Classification Sherloc (09022015). Collection method: clinical testing. Allele origin: germline.
Comment: In summary, the available evidence is currently insufficient to determine the role of this variant in disease. Therefore, it has been classified as a Variant of Uncertain Significance. This variant, c.271_273del, results in the deletion of 1 amino acid(s) of the WT1 protein (p.Gly91del), but otherwise preserves the integrity of the reading frame. The frequency data for this variant in the population databases is considered unreliable, as metrics indicate poor data quality at this position in the gnomAD database. This variant has not been reported in the literature in individuals affected with WT1-related conditions. ClinVar contains an entry for this variant (Variation ID: 576824). Experimental studies and prediction algorithms are not available or were not evaluated, and the functional significance of this variant is currently unknown.

Baylor Genetics
Classification: Uncertain significance for Drash syndrome. Last evaluated: 2023-05-16. Review status: criteria provided, single submitter. Criteria: ACMG Guidelines, 2015. Collection method: clinical testing. Allele origin: unknown.

NM_024426.6(WT1):c.277GGC[3] (p.Gly96del)

Genes: WT1 (WT1 transcription factor; minus strand), LOC107982234 (WT1/WT1-AS bi-directional promoter region; plus strand). Cytogenetic location: 11p13.
Variant type: Microsatellite.
Coding change: c.277GGC[3] on transcript NM_024426.6 (MANE Select); three copies in a row of the 3-base unit GGC starting at c.277; the reference has four copies in a row; one copy, 3 bases deleted; also written c.286_288del.
Protein change: p.Gly96del; deletes glycine 96.
Molecular consequence: inframe deletion. On other transcripts: non-coding transcript variant (1).
Genome position (GRCh38, 1-based): chr11:32,435,073-32,435,075, GCC deleted on the plus strand (GGC on the coding strand, the reverse complement: WT1 is on the minus strand); deleting any 3 consecutive bases within chr11:32,435,073-32,435,084 gives the same sequence; the position shown is the placement nearest the transcript's 3' end. VCF-style (leftmost placement, unchanged base first): chr11-32435072-AGCC-A. GRCh37 (hg19) VCF-style: chr11-32456618-AGCC-A.
Other names: c.286_288del (NM_024426.6); c.277GGC[3], p.Gly96del (NM_000378.6, NM_024424.5); c.271_273delGGC (NM_024426.4); short protein forms G96del.
Identifiers: ClinVar variation 576824 (VCV000576824.11), dbSNP rs770519620, ClinGen allele CA064802.
Genomic context (GRCh38, chr11:32,435,072, plus strand): 5'-CCGGGGGCGCAAAGTCCAGCACCGGCGCCCACTGCGCCGCGCCGCTCACAGGCAGGGCAC[AGCC>A]GCCGCCGCCACCCAGGGAGGGGACGGCGGGCAGCAGCGCGTTCAGGTCCCGCACGTCGGA-3'